The following is an entry in ClinVar:

ClinVar aggregate classification (germline): Uncertain significance (1 of 4 stars; one submission).

Conditions:
Hereditary cancer-predisposing syndrome. Also called: Neoplastic Syndromes, Hereditary; Hereditary Cancer Syndrome; Hereditary neoplastic syndrome; Tumor predisposition. Identifiers: Orphanet 140162, MedGen C0027672, MeSH D009386, MONDO:0015356.

Submission:

Ambry Genetics
Classification: Uncertain significance for Hereditary cancer-predisposing syndrome. Last evaluated: 2023-05-11. Review status: criteria provided, single submitter. Criteria: Ambry Variant Classification Scheme 2023. Collection method: clinical testing. Allele origin: germline.
Comment: The p.E1822D variant (also known as c.5466A>C), located in coding exon 35 of the ATM gene, results from an A to C substitution at nucleotide position 5466. The glutamic acid at codon 1822 is replaced by aspartic acid, an amino acid with highly similar properties. This amino acid position is well conserved in available vertebrate species. In addition, this alteration is predicted to be tolerated by in silico analysis. Since supporting evidence is limited at this time, the clinical significance of this alteration remains unclear.

NM_000051.4(ATM):c.5466A>C (p.Glu1822Asp)

Gene: ATM (ATM serine/threonine kinase; plus strand). Cytogenetic location: 11q22.3.
Variant type: single nucleotide variant.
Coding change: c.5466A>C on transcript NM_000051.4 (MANE Select); coding-DNA position 5466, A replaced by C.
Protein change: p.Glu1822Asp; replaces glutamic acid 1822 with aspartic acid.
Molecular consequence: missense variant.
Genome position (GRCh38, 1-based): chr11:108,302,999, A>C. VCF-style: chr11-108302999-A-C. GRCh37 (hg19) VCF-style: chr11-108173726-A-C.
Other names: c.5466A>C, p.Glu1822Asp (NM_001351834.2); short protein forms E1822D.
Identifiers: ClinVar variation 2562586 (VCV002562586.2), dbSNP rs2135930624, ClinGen allele CA382544360.